The following is an entry in ClinVar:

NM_001286577.2(C2CD3):c.708-2_708-1del

Gene: C2CD3 (C2 domain containing 3 centriole elongation regulator; minus strand). Cytogenetic location: 11q13.4.
Variant type: Deletion.
Coding change: c.708-2_708-1del on transcript NM_001286577.2 (MANE Select); the canonical splice acceptor site of the intron before coding-DNA position 708, 2 bases deleted (AG; older notation c.708-2_708-1delAG).
Molecular consequence: splice acceptor variant.
Genome position (GRCh38, 1-based): chr11:74,138,968-74,138,969, CT deleted on the plus strand (AG on the coding strand, the reverse complement: C2CD3 is on the minus strand). VCF-style (leftmost placement, unchanged base first): chr11-74138967-CCT-C. GRCh37 (hg19) VCF-style: chr11-73850012-CCT-C.
Other names: c.708-2_708-1del (NM_015531.6).
Identifiers: ClinVar variation 418736 (VCV000418736.7), dbSNP rs769076549, ClinGen allele CA6183136.

ClinVar aggregate classification (germline): Likely pathogenic. Review status: criteria provided, multiple submitters, no conflicts (2 of 4 stars). 3 submissions from 3 submitters: Likely pathogenic (3). Last evaluated 2025-10-28.

Conditions:
Orofaciodigital syndrome type 14. Also called: Orofaciodigital syndrome xiv. Identifiers: Orphanet 434179, MedGen C4706604, MONDO:0014413, OMIM 615948.
C2CD3-related disorders.

Allele frequency attached by ClinVar (database versions not stated): TOPMed below 0.00001; gnomAD exomes 0.00001 and 0.00002; ExAC 0.00003.

Submissions (3):

MVZ Martinsried, Medicover Genetics
Classification: Likely pathogenic for Orofaciodigital syndrome type 14. Last evaluated: 2025-10-28. Review status: criteria provided, single submitter. Criteria: ClinGen Variant Curation SOP V3.2 + Classification Guidance July2025. Collection method: clinical testing. Allele origin: inherited. Affected: yes. Observed: 1 heterozygote.

Blueprint Genetics
Classification: Likely pathogenic for C2CD3-related disorders. Last evaluated: 2023-09-19. Review status: criteria provided, single submitter. Criteria: ACMG Guidelines, 2015. Collection method: clinical testing. Allele origin: germline. Affected: yes. Observed: 2 variant alleles.

GeneDx
Classification: Likely pathogenic. Last evaluated: 2021-02-18. Review status: criteria provided, single submitter. Criteria: GeneDx Variant Classification Process June 2021. Collection method: clinical testing. Allele origin: germline. Affected: yes.
Comment: Canonical splice site variant predicted to result in a null allele in a gene for which loss-of-function is a known mechanism of disease; Has not been previously published as pathogenic or benign to our knowledge